The following is an entry in ClinVar:

NM_018919.3(PCDHGA6):c.2210G>C (p.Gly737Ala)

Genes: PCDHG@ (protocadherin gamma cluster; plus strand), PCDHGA1 (protocadherin gamma subfamily A, 1; plus strand), PCDHGA2 (protocadherin gamma subfamily A, 2; plus strand), PCDHGA3 (protocadherin gamma subfamily A, 3; plus strand), PCDHGA4 (protocadherin gamma subfamily A, 4; plus strand) and 5 more. Cytogenetic location: 5q31.3.
Variant type: single nucleotide variant.
Coding change: c.2210G>C on transcript NM_018919.3 (MANE Select); coding-DNA position 2210, G replaced by C.
Protein change: p.Gly737Ala; replaces glycine 737 with alanine.
Molecular consequence: missense variant. On other transcripts: intron variant (8).
Genome position (GRCh38, 1-based): chr5:141,376,293, G>C. VCF-style: chr5-141376293-G-C. GRCh37 (hg19) VCF-style: chr5-140755860-G-C.
Other names: c.2424+34898G>C (NM_018915.4); c.2424+29836G>C (NM_018916.4); c.2409+23624G>C (NM_018922.3); c.2514+18672G>C (NM_018917.4); c.2421+13737G>C (NM_018923.3); c.2421+9542G>C (NM_018918.3); c.2415+3484G>C (NM_018924.5); c.2210G>C, p.Gly737Ala (NM_032086.2); and 1 more; short protein forms G737A.
Identifiers: ClinVar variation 2655848 (VCV002655848.24), dbSNP rs189836587, ClinGen allele CA3471656.

ClinVar aggregate classification (germline): Likely benign (1 of 4 stars; one submission).

Allele frequency attached by ClinVar (database versions not stated): 1000 Genomes Project 30x 0.00125; 1000 Genomes Project 0.00140; ExAC 0.00400; ESP Exome Variant Server 0.00415.
gnomAD v4.1: 8,405 of 1,614,188 alleles (0.52%); highest among the groups gnomAD compares: Non-Finnish European, 0.6%; 27 homozygotes.

Submission:

CeGaT Center for Human Genetics Tuebingen
Classification: Likely benign. Last evaluated: 2023-02-01. Review status: criteria provided, single submitter. Criteria: CeGaT Center For Human Genetics Tuebingen Variant Classification Criteria Version 2. Collection method: clinical testing. Allele origin: germline. Affected: yes. Observed: 1 variant allele.
Comment: PCDHGA6: BP4, BS2